The following is an entry in ClinVar:

NM_001080495.3(TNRC18):c.3782C>T (p.Pro1261Leu)

Gene: TNRC18 (trinucleotide repeat containing 18; minus strand). Cytogenetic location: 7p22.1.
Variant type: single nucleotide variant.
Coding change: c.3782C>T on transcript NM_001080495.3 (MANE Select); coding-DNA position 3782, C replaced by T.
Protein change: p.Pro1261Leu; replaces proline 1261 with leucine.
Molecular consequence: missense variant.
Genome position (GRCh38, 1-based): chr7:5,370,812, G>A on the plus strand (C>T on the coding strand, the complement: TNRC18 is on the minus strand). VCF-style: chr7-5370812-G-A. GRCh37 (hg19) VCF-style: chr7-5410443-G-A.
Other names: short protein forms P1261L.
Identifiers: ClinVar variation 2264748 (VCV002264748.4), dbSNP rs184931803, ClinGen allele CA4144911.
Genomic context (GRCh38, chr7:5,370,812, plus strand): 5'-TGCGCCAGGCCTTCCTCGGGCACTGCCTCCACCACGGGCACCGCCACAGGCACCTCCACC[G>A]GCTCCTCCTTGGCCTCCACCAGTGTCTCGGGTGTCAGCTGCACCCCCAGGTCCAGGGCGG-3'
Protein context (NP_001073964.2, residues 1251-1271): PETLVEAKEE[Pro1261Leu]VEVPVAVPVV

ClinVar aggregate classification (germline): Uncertain significance (1 of 4 stars; one submission).

Allele frequency attached by ClinVar (database versions not stated): ExAC 0.00026; gnomAD 0.00032; 1000 Genomes Project 30x 0.00062; 1000 Genomes Project 0.00040; TOPMed 0.00035.
gnomAD v4.1: 239 of 1,608,608 alleles (0.015%); highest among the groups gnomAD compares: Middle Eastern, 0.21%; no homozygotes.

Submission:

Ambry Genetics
Classification: Uncertain significance. Last evaluated: 2026-08-18. Review status: criteria provided, single submitter. Criteria: Ambry Variant Classification Scheme 2023. Collection method: clinical testing. Allele origin: germline.
Comment: The c.3782C>T (p.P1261L) alteration is located in exon 11 (coding exon 10) of the TNRC18 gene. This alteration results from a C to T substitution at nucleotide position 3782, causing the proline (P) at amino acid position 1261 to be replaced by a leucine (L). Based on data from gnomAD, the T allele has an overall frequency of 0.024% (64/268960) total alleles studied. The highest observed frequency was 0.072% (5/6930) of Other alleles. Based on insufficient or conflicting evidence, the clinical significance of this alteration remains unclear.